The following is an entry in ClinVar:

ClinVar aggregate classification (germline): Likely benign. Review status: criteria provided, multiple submitters, no conflicts (2 of 4 stars). 3 submissions from 3 submitters: Likely benign (3). Last evaluated 2025-05-05.

Conditions:
Hereditary cancer-predisposing syndrome. Also called: Tumor predisposition; Neoplastic Syndromes, Hereditary; Hereditary Cancer Syndrome; Hereditary neoplastic syndrome. Identifiers: Orphanet 140162, MedGen C0027672, MeSH D009386, MONDO:0015356.
Hereditary breast ovarian cancer syndrome. Also called: Hereditary breast and/or ovarian cancer syndrome; Hereditary breast and ovarian cancer; Hereditary breast and ovarian cancer syndrome; Hereditary breast and ovarian cancer syndrome (HBOC); Breast and ovarian cancer; BRCA1- and BRCA2-Associated Hereditary Breast and Ovarian Cancer. Identifiers: Orphanet 145, MedGen C0677776, MeSH D061325, MONDO:0003582. Disease mechanism: loss of function.
Breast-ovarian cancer, familial, susceptibility to, 2 (BROVCA2). Also called: BRCA2 Hereditary Breast and Ovarian Cancer. Identifiers: Orphanet 145, MedGen C2675520, MONDO:0012933, OMIM 612555. Disease mechanism: loss of function.

gnomAD v4.1: 1 of 1,565,268 alleles (0.000064%); highest among the groups gnomAD compares: Non-Finnish European, 0.000087%; no homozygotes.

Submissions (3):

Labcorp Genetics (formerly Invitae), Labcorp
Classification: Likely benign for Hereditary breast ovarian cancer syndrome. Last evaluated: 2025-05-05. Review status: criteria provided, single submitter. Criteria: Invitae Variant Classification Sherloc (09022015). Collection method: clinical testing. Allele origin: germline.

All of Us Research Program, National Institutes of Health
Classification: Likely benign for Breast-ovarian cancer, familial, susceptibility to, 2. Last evaluated: 2023-12-13. Review status: criteria provided, single submitter. Criteria: ACMG Guidelines, 2015. Collection method: clinical testing. Allele origin: germline. Inheritance: Autosomal dominant inheritance. Observed: 1 variant allele, 1 heterozygote.
Comment: This study involves interpretation of variants in research participants for the purpose of population health screening. Participant phenotype was not available at the time of variant classification. Additional details can be found in publication PMID: 35346344, PMCID: PMC8962531

Ambry Genetics
Classification: Likely benign for Hereditary cancer-predisposing syndrome. Last evaluated: 2023-09-13. Review status: criteria provided, single submitter. Criteria: Ambry Variant Classification Scheme 2023. Collection method: clinical testing. Allele origin: germline.

NM_000059.4(BRCA2):c.3834T>C (p.His1278=)

Gene: BRCA2 (BRCA2 DNA repair associated; plus strand). Cytogenetic location: 13q13.1.
Variant type: single nucleotide variant.
Coding change: c.3834T>C on transcript NM_000059.4 (MANE Select); coding-DNA position 3834, T replaced by C.
Protein change: p.His1278=; no amino-acid change (histidine 1278 retained).
Molecular consequence: synonymous variant. On other transcripts: non-coding transcript variant (1), intron variant (2).
Genome position (GRCh38, 1-based): chr13:32,338,189, T>C. VCF-style: chr13-32338189-T-C. GRCh37 (hg19) VCF-style: chr13-32912326-T-C.
Other names: c.3834T>C, p.His1278= (NM_001406719.1, NM_001406720.1); c.1909+4802T>C (NM_001406721.1); c.425-6369T>C (NM_001406722.1).
Identifiers: ClinVar variation 2586325 (VCV002586325.5), dbSNP rs2548527019, ClinGen allele CA483437976.